The following is an entry in ClinVar:

ClinVar aggregate classification (germline): Benign/Likely benign. Review status: criteria provided, multiple submitters, no conflicts (2 of 4 stars). 2 submissions from 2 submitters: Benign (1); Likely benign (1). Last evaluated 2025-05-13.

Conditions:
Tuberous sclerosis 2 (TSC2). Identifiers: Orphanet 805, MedGen C1860707, MONDO:0013199, OMIM 613254.

Submissions (2):

Myriad Genetics, Inc.
Classification: Benign for Tuberous sclerosis 2. Last evaluated: 2025-05-13. Review status: criteria provided, single submitter. Criteria: Myriad Autosomal Dominant, Autosomal Recessive and X-Linked Classification Criteria (2023). Collection method: clinical testing. Allele origin: unknown.
Comment: This variant is considered benign. This variant is a silent/synonymous amino acid change and it is not expected to impact splicing.

Labcorp Genetics (formerly Invitae), Labcorp
Classification: Likely benign for Tuberous sclerosis 2. Last evaluated: 2022-06-27. Review status: criteria provided, single submitter. Criteria: Invitae Variant Classification Sherloc (09022015). Collection method: clinical testing. Allele origin: germline.

NM_000548.5(TSC2):c.1206G>C (p.Gly402=)

Gene: TSC2 (TSC complex subunit 2; plus strand). Cytogenetic location: 16p13.3.
Variant type: single nucleotide variant.
Coding change: c.1206G>C on transcript NM_000548.5 (MANE Select); coding-DNA position 1206, G replaced by C.
Protein change: p.Gly402=; no amino-acid change (glycine 402 retained).
Molecular consequence: synonymous variant. On other transcripts: 5 prime UTR variant (10), non-coding transcript variant (5).
Genome position (GRCh38, 1-based): chr16:2,061,957, G>C. VCF-style: chr16-2061957-G-C. GRCh37 (hg19) VCF-style: chr16-2111958-G-C.
Other names: c.1206G>C, p.Gly402= (NM_001077183.3, NM_001114382.3, NM_001363528.2 and 6 more transcripts); c.1095G>C, p.Gly365= (NM_001318827.2, NM_001406670.1, NM_001406678.1); c.1059G>C, p.Gly353= (NM_001318829.2, NM_001406675.1, NM_001406676.1 and 1 more transcripts); c.606G>C, p.Gly202= (NM_001318831.2, NM_001406680.1, NM_001406682.1 and 6 more transcripts); c.1239G>C, p.Gly413= (NM_001318832.2); c.1296G>C, p.Gly432= (NM_001406667.1, NM_001406668.1); c.1194G>C, p.Gly398= (NM_001406671.1, NM_001406673.1); c.1149G>C, p.Gly383= (NM_001406677.1); and 4 more.
Identifiers: ClinVar variation 2011281 (VCV002011281.5), dbSNP rs558873383, ClinGen allele CA492961947.